The following is an entry in ClinVar:

NC_000002.11:g.(?_73612997)_(73650122_?)del

Gene: ALMS1 (ALMS1 centrosome and basal body associated protein; plus strand). Cytogenetic location: 2p13.1.
Variant type: Deletion.
Identifiers: ClinVar variation 3247153 (VCV003247153.1).

ClinVar aggregate classification (germline): Pathogenic (1 of 4 stars; one submission).

Conditions:
Alstrom syndrome (ALMS). Identifiers: Orphanet 64, MedGen C0268425, MONDO:0008763, OMIM 203800.

Submission:

Labcorp Genetics (formerly Invitae), Labcorp
Classification: Pathogenic for Alstrom syndrome. Last evaluated: 2023-06-15. Review status: criteria provided, single submitter. Criteria: Invitae Variant Classification Sherloc (09022015). Collection method: clinical testing. Allele origin: unknown.
Comment: For these reasons, this variant has been classified as Pathogenic. This variant has not been reported in the literature in individuals affected with ALMS1-related conditions. This variant is a gross deletion of the genomic region encompassing exon(s) 1-4 of the ALMS1 gene, which includes the initiator codon. This deletion extends beyond the assayed region for this gene and therefore may encompass additional genes. It is expected to result in an absent or disrupted protein product. Loss-of-function variants in ALMS1 are known to be pathogenic (PMID: 17594715).

Literature cited by the submitters: PubMed 17594715.